The following is an entry in ClinVar:

NM_004656.4(BAP1):c.1047C>G (p.Asn349Lys)

Gene: BAP1 (BRCA1 associated deubiquitinase 1; minus strand). Cytogenetic location: 3p21.1.
Variant type: single nucleotide variant.
Coding change: c.1047C>G on transcript NM_004656.4 (MANE Select); coding-DNA position 1047, C replaced by G.
Protein change: p.Asn349Lys; replaces asparagine 349 with lysine.
Molecular consequence: missense variant.
Genome position (GRCh38, 1-based): chr3:52,405,179, G>C on the plus strand (C>G on the coding strand, the complement: BAP1 is on the minus strand). VCF-style: chr3-52405179-G-C. GRCh37 (hg19) VCF-style: chr3-52439195-G-C.
Other names: c.1047C>G (LRG_529t1); short protein forms N349K.
Identifiers: ClinVar variation 489604 (VCV000489604.17), dbSNP rs938452807, ClinGen allele CA74742602.

ClinVar aggregate classification (germline): Uncertain significance. Review status: criteria provided, multiple submitters, no conflicts (2 of 4 stars). 4 submissions from 4 submitters: Uncertain significance (4). Last evaluated 2026-01-12.

Conditions:
BAP1-related disorder. Also called: BAP1-related condition.
Hereditary cancer-predisposing syndrome. Also called: Neoplastic Syndromes, Hereditary; Hereditary Cancer Syndrome; Tumor predisposition; Hereditary neoplastic syndrome. Identifiers: Orphanet 140162, MedGen C0027672, MeSH D009386, MONDO:0015356.
BAP1-related tumor predisposition syndrome (TPDS1). Also called: Tumor susceptibility linked to germline BAP1 mutations; COMMON Syndrome; BAP1 tumor predisposition syndrome; TUMOR PREDISPOSITION SYNDROME 1. Identifiers: Orphanet 289539, MedGen C3280492, MONDO:0013692, OMIM 614327.

Allele frequency attached by ClinVar (database versions not stated): gnomAD exomes 0.00003.
gnomAD v4.1: 40 of 1,614,154 alleles (0.0025%); highest among the groups gnomAD compares: Non-Finnish European, 0.0034%; no homozygotes.

Submissions (4):

PreventionGenetics, part of Exact Sciences
Classification: Uncertain significance for BAP1-related condition. Last evaluated: 2026-01-12. Review status: criteria provided, single submitter. Criteria: ACMG Guidelines, 2015. Collection method: clinical testing. Allele origin: germline.
Comment: The BAP1 c.1047C>G variant is predicted to result in the amino acid substitution p.Asn349Lys. To our knowledge, this variant has not been reported in the literature or in a large population database (gnomAD), indicating this variant is rare. This variant is interpreted as uncertain in ClinVar (Variation ID: 489604). At this time, the clinical significance of this variant is uncertain due to the absence of conclusive functional and genetic evidence.

Labcorp Genetics (formerly Invitae), Labcorp
Classification: Uncertain significance for BAP1-related tumor predisposition syndrome. Last evaluated: 2025-07-09. Review status: criteria provided, single submitter. Criteria: Invitae Variant Classification Sherloc (09022015). Collection method: clinical testing. Allele origin: germline.
Comment: This sequence change replaces asparagine, which is neutral and polar, with lysine, which is basic and polar, at codon 349 of the BAP1 protein (p.Asn349Lys). This variant is not present in population databases (gnomAD no frequency). This variant has not been reported in the literature in individuals affected with BAP1-related conditions. ClinVar contains an entry for this variant (Variation ID: 489604). Invitae Evidence Modeling of protein sequence and biophysical properties (such as structural, functional, and spatial information, amino acid conservation, physicochemical variation, residue mobility, and thermodynamic stability) indicates that this missense variant is not expected to disrupt BAP1 protein function with a negative predictive value of 80%. In summary, the available evidence is currently insufficient to determine the role of this variant in disease. Therefore, it has been classified as a Variant of Uncertain Significance.

Ambry Genetics
Classification: Uncertain significance for Hereditary cancer-predisposing syndrome. Last evaluated: 2024-04-23. Review status: criteria provided, single submitter. Criteria: Ambry Variant Classification Scheme 2023. Collection method: clinical testing. Allele origin: germline.
Comment: The p.N349K variant (also known as c.1047C>G), located in coding exon 11 of the BAP1 gene, results from a C to G substitution at nucleotide position 1047. The asparagine at codon 349 is replaced by lysine, an amino acid with similar properties. This amino acid position is not well conserved in available vertebrate species. In addition, this alteration is predicted to be tolerated by in silico analysis. Based on the available evidence, the clinical significance of this variant remains unclear.

Color Diagnostics, LLC DBA Color Health
Classification: Uncertain significance for Hereditary cancer-predisposing syndrome. Last evaluated: 2019-11-04. Review status: criteria provided, single submitter. Criteria: ACMG Guidelines, 2015. Collection method: clinical testing. Allele origin: germline.
Comment: This missense variant replaces asparagine with lysine at codon 349 of the BAP1 protein. Computational prediction suggests that this variant may not impact protein structure and function (internally defined REVEL score threshold <= 0.5, PMID: 27666373). Splice site prediction tools suggest that this variant may not impact RNA splicing. To our knowledge, functional studies have not been performed for this variant. This variant has not been reported in individuals affected with hereditary cancer in the literature. This variant has not been identified in the general population by the Genome Aggregation Database (gnomAD). The available evidence is insufficient to determine the role of this variant in disease conclusively. Therefore, this variant is classified as a Variant of Uncertain Significance.